The following is an entry in ClinVar:

NM_001852.4(COL9A2):c.577G>A (p.Gly193Arg)

Gene: COL9A2 (collagen type IX alpha 2 chain; minus strand). Cytogenetic location: 1p34.2.
Variant type: single nucleotide variant.
Coding change: c.577G>A on transcript NM_001852.4 (MANE Select); coding-DNA position 577, G replaced by A.
Protein change: p.Gly193Arg; replaces glycine 193 with arginine.
Molecular consequence: missense variant.
Genome position (GRCh38, 1-based): chr1:40,311,146, C>T on the plus strand (G>A on the coding strand, the complement: COL9A2 is on the minus strand). VCF-style: chr1-40311146-C-T. GRCh37 (hg19) VCF-style: chr1-40776818-C-T.
Other names: short protein forms G193R.
Identifiers: ClinVar variation 3651676 (VCV003651676.2).

ClinVar aggregate classification (germline): Uncertain significance (1 of 4 stars; one submission).

Submission:

Labcorp Genetics (formerly Invitae), Labcorp
Classification: Uncertain significance. Last evaluated: 2024-04-30. Review status: criteria provided, single submitter. Criteria: Invitae Variant Classification Sherloc (09022015). Collection method: clinical testing. Allele origin: germline.
Comment: This sequence change replaces glycine, which is neutral and non-polar, with arginine, which is basic and polar, at codon 193 of the COL9A2 protein (p.Gly193Arg). This variant is not present in population databases (gnomAD no frequency). This variant has not been reported in the literature in individuals affected with COL9A2-related conditions. An algorithm developed to predict the effect of missense changes on protein structure and function (PolyPhen-2) suggests that this variant is likely to be disruptive. In summary, the available evidence is currently insufficient to determine the role of this variant in disease. Therefore, it has been classified as a Variant of Uncertain Significance.